The following is an entry in ClinVar:

NM_053025.4(MYLK):c.4289-2A>C

Gene: MYLK (myosin light chain kinase; minus strand). Cytogenetic location: 3q21.1.
Variant type: single nucleotide variant.
Coding change: c.4289-2A>C on transcript NM_053025.4 (MANE Select); the canonical splice acceptor site of the intron before coding-DNA position 4289, A replaced by C.
Molecular consequence: splice acceptor variant.
Genome position (GRCh38, 1-based): chr3:123,649,196, T>G on the plus strand (A>C on the coding strand, the complement: MYLK is on the minus strand). VCF-style: chr3-123649196-T-G. GRCh37 (hg19) VCF-style: chr3-123368043-T-G.
Other names: c.3761-2A>C (NM_001321309.2); c.4082-2A>C (NM_053028.4, NM_053026.4); c.4289-2A>C (NM_053027.4).
Identifiers: ClinVar variation 3374721 (VCV003374721.3).
Genomic context (GRCh38, chr3:123,649,196, plus strand): 5'-GACCCGAAGACAGGGGCTGCACTCACCATCATCTGACACCTCCACTTCATCCTTCGGCTC[T>G]GGGGGGGGCACAAGGAAGGACAGAGAGGACACAGGTGATTAGTACTGAAGGCCCACTGAG-3'

ClinVar aggregate classification (germline): Conflicting classifications of pathogenicity. Review status: criteria provided, conflicting classifications (1 of 4 stars). 2 submissions from 2 submitters: Likely pathogenic (1); Uncertain significance (1). Last evaluated 2024-10-25.

Conditions:
Aortic aneurysm, familial thoracic 7 (AAT7). Also called: AORTIC DISSECTION, FAMILIAL, WITH OR WITHOUT AORTIC ANEURYSM. Identifiers: MedGen C3151077, MONDO:0013418, OMIM 613780.

Submissions (2):

Institute of Human Genetics, Cologne University
Classification: Uncertain significance for Aortic aneurysm, familial thoracic 7. Last evaluated: 2024-10-25. Review status: criteria provided, single submitter. Criteria: ACMG Guidelines, 2015. Collection method: clinical testing. Allele origin: germline. Affected: yes.

Labcorp Genetics (formerly Invitae), Labcorp
Classification: Likely pathogenic for Aortic aneurysm, familial thoracic 7. Last evaluated: 2024-02-10. Review status: criteria provided, single submitter. Criteria: Invitae Variant Classification Sherloc (09022015). Collection method: clinical testing. Allele origin: germline.
Comment: This sequence change affects an acceptor splice site in intron 24 of the MYLK gene. It is expected to disrupt RNA splicing. Variants that disrupt the donor or acceptor splice site typically lead to a loss of protein function (PMID: 16199547), and loss-of-function variants in MYLK are known to be pathogenic (PMID: 21055718, 28602422). This variant is not present in population databases (gnomAD no frequency). Disruption of this splice site has been observed in individual(s) with aortic root dilation (Invitae). Algorithms developed to predict the effect of sequence changes on RNA splicing suggest that this variant may disrupt the consensus splice site. In summary, the currently available evidence indicates that the variant is pathogenic, but additional data are needed to prove that conclusively. Therefore, this variant has been classified as Likely Pathogenic.

Literature cited by the submitters: PubMed 16199547 (cited by Labcorp Genetics (formerly Invitae), Labcorp); PubMed 21055718 (cited by Labcorp Genetics (formerly Invitae), Labcorp); PubMed 28602422 (cited by Labcorp Genetics (formerly Invitae), Labcorp).